The following is an entry in ClinVar:

ClinVar aggregate classification (germline): Uncertain significance (1 of 4 stars; one submission).

Conditions:
Charcot-Marie-Tooth disease axonal type 2O. Also called: Charcot-Marie-Tooth Neuropathy Type 2O; CHARCOT-MARIE-TOOTH NEUROPATHY, AXONAL, TYPE 2O; CHARCOT-MARIE-TOOTH DISEASE, AXONAL, AUTOSOMAL DOMINANT, TYPE 2O; Charcot-Marie-Tooth disease, axonal, type 20. Identifiers: Orphanet 284232, MedGen C3280220, MONDO:0013644, OMIM 614228.

Allele frequency attached by ClinVar (database versions not stated): gnomAD exomes below 0.00001.
gnomAD v4.1: 1 of 1,614,186 alleles (0.000062%); highest among the groups gnomAD compares: South Asian, 0.0011%; no homozygotes.

Submission:

Labcorp Genetics (formerly Invitae), Labcorp
Classification: Uncertain significance for Charcot-Marie-Tooth disease axonal type 2O. Last evaluated: 2020-01-22. Review status: criteria provided, single submitter. Criteria: Invitae Variant Classification Sherloc (09022015). Collection method: clinical testing. Allele origin: germline.
Comment: In summary, the available evidence is currently insufficient to determine the role of this variant in disease. Therefore, it has been classified as a Variant of Uncertain Significance. Algorithms developed to predict the effect of missense changes on protein structure and function (SIFT, PolyPhen-2, Align-GVGD) all suggest that this variant is likely to be disruptive, but these predictions have not been confirmed by published functional studies and their clinical significance is uncertain. This variant has not been reported in the literature in individuals with DYNC1H1-related disease. This variant is not present in population databases (ExAC no frequency). This sequence change replaces serine with phenylalanine at codon 3554 of the DYNC1H1 protein (p.Ser3554Phe). The serine residue is highly conserved and there is a large physicochemical difference between serine and phenylalanine.

NM_001376.5(DYNC1H1):c.10661C>T (p.Ser3554Phe)

Gene: DYNC1H1 (dynein cytoplasmic 1 heavy chain 1; plus strand). Cytogenetic location: 14q32.31.
Variant type: single nucleotide variant.
Coding change: c.10661C>T on transcript NM_001376.5 (MANE Select); coding-DNA position 10661, C replaced by T.
Protein change: p.Ser3554Phe; replaces serine 3554 with phenylalanine.
Molecular consequence: missense variant.
Genome position (GRCh38, 1-based): chr14:102,034,359, C>T. VCF-style: chr14-102034359-C-T. GRCh37 (hg19) VCF-style: chr14-102500696-C-T.
Other names: short protein forms S3554F.
Identifiers: ClinVar variation 582002 (VCV000582002.9), dbSNP rs1567019533, ClinGen allele CA391028067.